The following is an entry in ClinVar:

NM_004727.3(SLC24A1):c.1136C>T (p.Thr379Ile)

Gene: SLC24A1 (solute carrier family 24 member 1; plus strand). Cytogenetic location: 15q22.31.
Variant type: single nucleotide variant.
Coding change: c.1136C>T on transcript NM_004727.3 (MANE Select); coding-DNA position 1136, C replaced by T.
Protein change: p.Thr379Ile; replaces threonine 379 with isoleucine.
Molecular consequence: missense variant.
Genome position (GRCh38, 1-based): chr15:65,625,216, C>T. VCF-style: chr15-65625216-C-T. GRCh37 (hg19) VCF-style: chr15-65917554-C-T.
Other names: c.1136C>T (NM_004727.2); c.1136C>T, p.Thr379Ile (NM_001301031.1, NM_001301032.1, NM_001301033.2); short protein forms T379I.
Identifiers: ClinVar variation 1504242 (VCV001504242.9), dbSNP rs776973720, ClinGen allele CA7619855.

ClinVar aggregate classification (germline): Uncertain significance. Review status: criteria provided, multiple submitters, no conflicts (2 of 4 stars). 4 submissions from 4 submitters: Uncertain significance (4). Last evaluated 2024-10-10.

Conditions:
SLC24A1-related disorder. Also called: SLC24A1-related condition.
Inborn genetic diseases. Identifiers: MedGen C0950123, MeSH D030342.

Allele frequency attached by ClinVar (database versions not stated): TOPMed 0.00001; ExAC 0.00003; gnomAD 0.00003 and 0.00004; gnomAD exomes 0.00003.
gnomAD v4.1: 23 of 1,613,884 alleles (0.0014%); highest among the groups gnomAD compares: Middle Eastern, 0.082%; no homozygotes.

Submissions (4):

PreventionGenetics, part of Exact Sciences
Classification: Uncertain significance for SLC24A1-related condition. Last evaluated: 2024-10-10. Review status: criteria provided, single submitter. Criteria: ACMG Guidelines, 2015. Collection method: clinical testing. Allele origin: germline.
Comment: The SLC24A1 c.1136C>T variant is predicted to result in the amino acid substitution p.Thr379Ile. To our knowledge, this variant has not been reported in the literature. This variant is reported in 0.0041% of alleles in individuals of African descent in gnomAD. At this time, the clinical significance of this variant is uncertain due to the absence of conclusive functional and genetic evidence.

Ambry Genetics
Classification: Uncertain significance for Inborn genetic diseases. Last evaluated: 2024-03-04. Review status: criteria provided, single submitter. Criteria: Ambry Variant Classification Scheme 2023. Collection method: clinical testing. Allele origin: germline.

Labcorp Genetics (formerly Invitae), Labcorp
Classification: Uncertain significance. Last evaluated: 2022-02-22. Review status: criteria provided, single submitter. Criteria: Invitae Variant Classification Sherloc (09022015). Collection method: clinical testing. Allele origin: germline.
Comment: In summary, the available evidence is currently insufficient to determine the role of this variant in disease. Therefore, it has been classified as a Variant of Uncertain Significance. Algorithms developed to predict the effect of missense changes on protein structure and function (SIFT, PolyPhen-2, Align-GVGD) all suggest that this variant is likely to be tolerated. This variant has not been reported in the literature in individuals affected with SLC24A1-related conditions. This variant is present in population databases (rs776973720, gnomAD 0.005%). This sequence change replaces threonine, which is neutral and polar, with isoleucine, which is neutral and non-polar, at codon 379 of the SLC24A1 protein (p.Thr379Ile).

Breakthrough Genomics
Classification: Uncertain significance. Review status: criteria provided, single submitter. Criteria: ACMG Guidelines, 2015. Collection method: not provided. Allele origin: germline. Inheritance: Autosomal recessive inheritance. Affected: yes.